The following is an entry in ClinVar:

ClinVar aggregate classification (germline): Likely benign (1 of 4 stars; one submission).

Conditions:
Hereditary spastic paraplegia 48. Also called: SPASTIC PARAPLEGIA 48, AUTOSOMAL RECESSIVE; Spastic paraplegia 48. Identifiers: Orphanet 306511, MedGen C3150901, MONDO:0013342, OMIM 613647.

Allele frequency attached by ClinVar (database versions not stated): gnomAD 0.00071 and 0.00107; TOPMed 0.00144; 1000 Genomes Project 30x 0.00437; 1000 Genomes Project 0.00459.

Submission:

Illumina Laboratory Services, Illumina
Classification: Likely benign for Hereditary spastic paraplegia 48. Last evaluated: 2017-04-27. Review status: criteria provided, single submitter. Criteria: ICSL Variant Classification Criteria 13 December 2019. Collection method: clinical testing. Allele origin: germline.
Comment: This variant was observed as part of a predisposition screen in an ostensibly healthy population. A literature search was performed for the gene, cDNA change, and amino acid change (where applicable). No publications were found based on this search. Allele frequency data from public databases allowed determination this variant is unlikely to cause disease. Therefore, this variant is classified as likely benign.

NM_014855.3(AP5Z1):c.*2812C>T

Gene: AP5Z1 (adaptor related protein complex 5 subunit zeta 1; plus strand). Cytogenetic location: 7p22.1.
Variant type: single nucleotide variant.
Coding change: c.*2812C>T on transcript NM_014855.3 (MANE Select); 2812 bases downstream of the stop codon, C replaced by T.
Molecular consequence: 3 prime UTR variant. On other transcripts: non-coding transcript variant (1).
Genome position (GRCh38, 1-based): chr7:4,794,197, C>T. VCF-style: chr7-4794197-C-T. GRCh37 (hg19) VCF-style: chr7-4833828-C-T.
Other names: c.*2812C>T (NM_001364858.1).
Identifiers: ClinVar variation 908342 (VCV000908342.4), dbSNP rs144268420, ClinGen allele CA153041352.
Genomic context (GRCh38, chr7:4,794,197, plus strand): 5'-ACCTTTTTGTCAACACTCTGTATCTAGTTAATCTGGTGGGGACATGGAGAACCTTTGTGT[C>T]TAGCTCAGGGATTGTAAACGCACCAATCAGCACCCTGTCAAAACAGACCACTCGGCTCTA-3'